The following is an entry in ClinVar:

ClinVar aggregate classification (germline): Pathogenic (1 of 4 stars; one submission).

Conditions:
Combined malonic and methylmalonic acidemia. Identifiers: Orphanet 289504, MedGen C3280314, MONDO:0013661, OMIM 614265.

Submission:

Labcorp Genetics (formerly Invitae), Labcorp
Classification: Pathogenic for Combined malonic and methylmalonic acidemia. Last evaluated: 2022-03-08. Review status: criteria provided, single submitter. Criteria: Invitae Variant Classification Sherloc (09022015). Collection method: clinical testing. Allele origin: germline.
Comment: For these reasons, this variant has been classified as Pathogenic. This variant has not been reported in the literature in individuals affected with ACSF3-related conditions. This variant is not present in population databases (gnomAD no frequency). This sequence change creates a premature translational stop signal (p.Gln150*) in the ACSF3 gene. It is expected to result in an absent or disrupted protein product. Loss-of-function variants in ACSF3 are known to be pathogenic (PMID: 21841779, 26827111).

Literature cited by the submitters: PubMed 21841779; PubMed 26827111.

NM_001243279.3(ACSF3):c.448C>T (p.Gln150Ter)

Gene: ACSF3 (acyl-CoA synthetase family member 3; plus strand). Cytogenetic location: 16q24.3.
Variant type: single nucleotide variant.
Coding change: c.448C>T on transcript NM_001243279.3 (MANE Select); coding-DNA position 448, C replaced by T.
Protein change: p.Gln150Ter; replaces glutamine 150 with a stop codon.
Molecular consequence: nonsense. On other transcripts: non-coding transcript variant (3), intron variant (1).
Genome position (GRCh38, 1-based): chr16:89,101,129, C>T. VCF-style: chr16-89101129-C-T. GRCh37 (hg19) VCF-style: chr16-89167537-C-T.
Other names: c.448C>T, p.Gln150Ter (NM_001127214.4, NM_174917.5); c.-129-1475C>T (NM_001284316.2); short protein forms Q150*.
Identifiers: ClinVar variation 2107530 (VCV002107530.4), dbSNP rs767268139, ClinGen allele CA397134482.